The following is an entry in ClinVar:

ClinVar aggregate classification (germline): Pathogenic/Likely pathogenic. Review status: criteria provided, multiple submitters, no conflicts (2 of 4 stars). 11 submissions from 11 submitters: Pathogenic (4); Likely pathogenic (4). 3 of the submissions do not count toward it. Last evaluated 2026-06-30.

Conditions:
DYNC2H1-related disorder. Also called: DYNC2H1-related disorders; DYNC2H1-related condition. Identifiers: MedGen CN378770.
Jeune thoracic dystrophy. Also called: Short-rib thoracic dysplasia; Jeune syndrome; Infantile thoracic dystrophy; Thoracic pelvic phalangeal dystrophy; Jeune's syndrome; Chondroectodermal dysplasia-like syndrome. Identifiers: Orphanet 474, MedGen C0265275, MONDO:0018770.
Asphyxiating thoracic dystrophy 3. Also called: SHORT-RIB THORACIC DYSPLASIA 3 WITH OR WITHOUT POLYDACTYLY; POLYDACTYLY WITH NEONATAL CHONDRODYSTROPHY, TYPE I; SHORT-RIB THORACIC DYSPLASIA 3/6 WITH POLYDACTYLY, DIGENIC; Saldino-Noonan Syndrome; Short rib polydactyly syndrome 2B. Identifiers: Orphanet 474, Orphanet 93269, Orphanet 93270, Orphanet 93271, MedGen C0036069, MONDO:0013127, OMIM 613091.

Allele frequency attached by ClinVar (database versions not stated): gnomAD 0.00003; ExAC 0.00004; gnomAD exomes 0.00004 and 0.00008; TOPMed 0.00005; ESP Exome Variant Server 0.00008.
gnomAD v4.1: 120 of 1,613,058 alleles (0.0074%); highest among the groups gnomAD compares: Non-Finnish European, 0.0095%; no homozygotes.

Submissions (11):

Women's Health and Genetics/Laboratory Corporation of America, LabCorp
Classification: Pathogenic for Asphyxiating thoracic dystrophy 3. Last evaluated: 2026-06-30. Review status: criteria provided, single submitter. Criteria: LabCorp Variant Classification Summary - May 2015. Collection method: clinical testing. Allele origin: germline.
Comment: Variant summary: DYNC2H1 c.10163C>T (p.Pro3388Leu) results in a non-conservative amino acid change in the encoded protein sequence. Algorithms developed to predict the effect of missense changes on protein structure and function are either unavailable or do not agree on the potential impact of this missense change. The variant allele was found at a frequency of 3.6e-05 in 248914 control chromosomes. c.10163C>T has been observed in individual(s) affected with Short-rib thoracic dysplasia and related conditions (Hammarsjo_2021, Schmidts_2013, Xiang_2024_Zhang_2018, Zhang_2019). These data indicate that the variant is likely to be associated with disease. To our knowledge, no experimental evidence demonstrating an impact on protein function has been reported. Internally validated machine learning-based Evidence Modeling of protein sequence and biophysical properties (such as structural, functional, and spatial information, amino acid conservation, physicochemical variation, residue mobility, and thermodynamic stability) indicates that this missense variant is expected to disrupt protein function with a positive predictive value of at least 95%. The following publications have been ascertained in the context of this evaluation (PMID: 33875766, 23456818, 39252126, 29068549, 31415973). ClinVar contains an entry for this variant (Variation ID: 439631). Based on the evidence outlined above, the variant was classified as pathogenic.

Labcorp Genetics (formerly Invitae), Labcorp
Classification: Pathogenic for Jeune thoracic dystrophy. Last evaluated: 2026-01-11. Review status: criteria provided, single submitter. Criteria: Invitae Variant Classification Sherloc (09022015). Collection method: clinical testing. Allele origin: germline.
Comment: This sequence change replaces proline, which is neutral and non-polar, with leucine, which is neutral and non-polar, at codon 3388 of the DYNC2H1 protein (p.Pro3388Leu). This variant is present in population databases (rs368631447, gnomAD 0.005%). This missense change has been observed in individual(s) with short-rib polydactyly syndrome or Jeune syndrome (PMID: 23456818, 29068549, 31415973). In at least one individual the data is consistent with being in trans (on the opposite chromosome) from a pathogenic variant. ClinVar contains an entry for this variant (Variation ID: 439631). Invitae Evidence Modeling of protein sequence and biophysical properties (such as structural, functional, and spatial information, amino acid conservation, physicochemical variation, residue mobility, and thermodynamic stability) indicates that this missense variant is expected to disrupt DYNC2H1 protein function with a positive predictive value of 95%. For these reasons, this variant has been classified as Pathogenic.

PreventionGenetics, part of Exact Sciences
Classification: Pathogenic for DYNC2H1-related condition. Last evaluated: 2025-10-28. Review status: criteria provided, single submitter. Criteria: ACMG Guidelines, 2015. Collection method: clinical testing. Allele origin: germline.
Comment: The DYNC2H1 c.10163C>T variant is predicted to result in the amino acid substitution p.Pro3388Leu. This variant has been reported either in the compound heterozygous state or along with a second variant in DYNC2H1 gene in individual(s) with asphyxiating thoracic dystrophy, also referred to as Jeune syndrome (Schmidts et al. 2013. PubMed ID: 23456818), and individuals with short rib polydactyly syndrome type 3 (SRPS III) (R08-197A in Table S2, Zhang et al. 2018. PubMed ID: 29068549; Zhang et al. 2019. PubMed ID: 31415973; reported as c.10142C>T (p.Pro3381Leu) using transcript ID: NM_001377 in Table S4, Strong et al. 2023. PubMed ID: 36653407). This variant has been reported in 0.0051% of alleles in individuals of East Asian descent in gnomAD. This variant is interpreted as pathogenic.

Blueprint Genetics
Classification: Pathogenic for DYNC2H1-related disorders. Last evaluated: 2023-11-17. Review status: criteria provided, single submitter. Criteria: ACMG Guidelines, 2015. Collection method: clinical testing. Allele origin: germline. Affected: yes. Observed: 2 variant alleles.

GeneDx
Classification: Likely pathogenic. Last evaluated: 2023-06-28. Review status: criteria provided, single submitter. Criteria: GeneDx Variant Classification Process June 2021. Collection method: clinical testing. Allele origin: germline. Affected: yes.
Comment: Not observed at significant frequency in large population cohorts (gnomAD); In silico analysis supports that this missense variant has a deleterious effect on protein structure/function; This variant is associated with the following publications: (PMID: 29068549, 31415973, 33726816, 35783601, 23456818)

Clinical Genetics and Genomics, Karolinska University Hospital
Classification: Likely pathogenic. Last evaluated: 2018-06-07. Review status: criteria provided, single submitter. Criteria: ACMG Guidelines, 2015. Collection method: clinical testing. Allele origin: germline. Affected: yes. Observed: 2 variant alleles.

ARUP Laboratories, Molecular Genetics and Genomics, ARUP Laboratories
Classification: Likely pathogenic. Last evaluated: 2016-09-25. Review status: criteria provided, single submitter. Criteria: ARUP Molecular Germline Variant Investigation Process. Collection method: clinical testing. Allele origin: germline.

Juno Genomics, Hangzhou Juno Genomics, Inc
Classification: Likely pathogenic for Asphyxiating thoracic dystrophy 3. Review status: criteria provided, single submitter. Criteria: ACMG Guidelines, 2015. Collection method: clinical testing. Allele origin: germline. Affected: yes.
Comment: Absent from controls (or at extremely low frequency if recessive) in Genome Aggregation Database, Exome Sequencing Project, 1000 Genomes Project, or Exome Aggregation Consortium.;For recessive disorders, detected in trans with a pathogenic variant.;Patient's phenotype or family history is highly specific for a disease with a single genetic etiology.

Rare Disease Group, Clinical Genetics, Karolinska Institutet
Classification: Pathogenic for Jeune thoracic dystrophy. Last evaluated: 2024-09-09. Review status: no assertion criteria provided. Collection method: clinical testing. Allele origin: paternal. Inheritance: Autosomal recessive inheritance. Affected: yes. Observed: 1 compound heterozygote. Not counted in ClinVar's aggregate classification.
Comment: The c.10163C>T variant was seen in compound heterozygous state with a frameshift variant in DYNC2H1 (c.2386del). There are at least four other individuals reported in ClinVar (Variation ID: 439631). In summary, the Pro3388Leu meets our criteria to be classified as pathogenic.

Dan Cohn Lab, University Of California Los Angeles
Classification: Pathogenic for Asphyxiating thoracic dystrophy 3. Last evaluated: 2017-06-01. Review status: no assertion criteria provided. Collection method: research. Allele origin: paternal, maternal, unknown. Affected: yes. Not counted in ClinVar's aggregate classification.

University of Washington Center for Mendelian Genomics, University of Washington
Classification: Likely pathogenic for Asphyxiating thoracic dystrophy 3. Review status: no assertion criteria provided. Collection method: research. Allele origin: inherited. Affected: yes. Not counted in ClinVar's aggregate classification.

Literature cited by the submitters: PubMed 29068549 (cited by 4 submitters); PubMed 23456818 (cited by Women's Health and Genetics/Laboratory Corporation of America, LabCorp and Labcorp Genetics (formerly Invitae), Labcorp); PubMed 33875766 (cited by Women's Health and Genetics/Laboratory Corporation of America, LabCorp); PubMed 39252126 (cited by Women's Health and Genetics/Laboratory Corporation of America, LabCorp); PubMed 31415973 (cited by Women's Health and Genetics/Laboratory Corporation of America, LabCorp and Labcorp Genetics (formerly Invitae), Labcorp).

NM_001377.3(DYNC2H1):c.10142C>T (p.Pro3381Leu)

Gene: DYNC2H1 (dynein cytoplasmic 2 heavy chain 1; plus strand). Cytogenetic location: 11q22.3.
Variant type: single nucleotide variant.
Coding change: c.10142C>T on transcript NM_001377.3 (MANE Select); coding-DNA position 10142, C replaced by T.
Protein change: p.Pro3381Leu; replaces proline 3381 with leucine.
Molecular consequence: missense variant.
Genome position (GRCh38, 1-based): chr11:103,253,384, C>T. VCF-style: chr11-103253384-C-T. GRCh37 (hg19) VCF-style: chr11-103124113-C-T.
Other names: c.10163C>T, p.Pro3388Leu (NM_001080463.2); short protein forms P3388L, P3381L.
Identifiers: ClinVar variation 439631 (VCV000439631.28), dbSNP rs368631447, ClinGen allele CA6254891.
Genomic context (GRCh38, chr11:103,253,384, plus strand): 5'-ACTACAATGAAGAATTCCGCCTCTTTTTGTCAACAAGAAACCCAAATCCTTTTATTCCAC[C>T]GGATGCAGCTTCCATTGTTACTGAGGTTAACTTTACTACAACAAGAAGTGGATTACGAGG-3'
Protein context (NP_001368.2, residues 3371-3391): STRNPNPFIP[Pro3381Leu]DAASIVTEVN